The following is an entry in ClinVar:

ClinVar aggregate classification (germline): Uncertain significance. Review status: criteria provided, multiple submitters, no conflicts (2 of 4 stars). 2 submissions from 2 submitters: Uncertain significance (2). Last evaluated 2025-08-19.

Conditions:
Inborn genetic diseases. Identifiers: MedGen C0950123, MeSH D030342.
Familial hemophagocytic lymphohistiocytosis 3 (FHL3). Also called: UNC13D-Related Familial Hemophagocytic Lymphohistiocytosis (UNC13D-fHLH). Identifiers: Orphanet 540, MedGen C1837174, MONDO:0012146, OMIM 608898.

Allele frequency attached by ClinVar (database versions not stated): TOPMed below 0.00001; ExAC 0.00001.
gnomAD v4.1: 3 of 1,613,884 alleles (0.00019%); highest among the groups gnomAD compares: Non-Finnish European, 0.00025%; no homozygotes.

Submissions (2):

Ambry Genetics
Classification: Uncertain significance for Inborn genetic diseases. Last evaluated: 2025-08-19. Review status: criteria provided, single submitter. Criteria: Ambry Variant Classification Scheme 2023. Collection method: clinical testing. Allele origin: germline.

Labcorp Genetics (formerly Invitae), Labcorp
Classification: Uncertain significance for Familial hemophagocytic lymphohistiocytosis 3. Last evaluated: 2024-10-28. Review status: criteria provided, single submitter. Criteria: Invitae Variant Classification Sherloc (09022015). Collection method: clinical testing. Allele origin: germline.
Comment: This sequence change replaces phenylalanine, which is neutral and non-polar, with leucine, which is neutral and non-polar, at codon 336 of the UNC13D protein (p.Phe336Leu). This variant is present in population databases (rs746042735, gnomAD 0.002%). This variant has not been reported in the literature in individuals affected with UNC13D-related conditions. ClinVar contains an entry for this variant (Variation ID: 2192180). Invitae Evidence Modeling of protein sequence and biophysical properties (such as structural, functional, and spatial information, amino acid conservation, physicochemical variation, residue mobility, and thermodynamic stability) indicates that this missense variant is not expected to disrupt UNC13D protein function with a negative predictive value of 80%. In summary, the available evidence is currently insufficient to determine the role of this variant in disease. Therefore, it has been classified as a Variant of Uncertain Significance.

NM_199242.3(UNC13D):c.1008T>A (p.Phe336Leu)

Gene: UNC13D (unc-13 homolog D; minus strand). Cytogenetic location: 17q25.1.
Variant type: single nucleotide variant.
Coding change: c.1008T>A on transcript NM_199242.3 (MANE Select); coding-DNA position 1008, T replaced by A.
Protein change: p.Phe336Leu; replaces phenylalanine 336 with leucine.
Molecular consequence: missense variant.
Genome position (GRCh38, 1-based): chr17:75,839,886, A>T on the plus strand (T>A on the coding strand, the complement: UNC13D is on the minus strand). VCF-style: chr17-75839886-A-T. GRCh37 (hg19) VCF-style: chr17-73835967-A-T.
Other names: short protein forms F336L.
Identifiers: ClinVar variation 2192180 (VCV002192180.3), dbSNP rs746042735, ClinGen allele CA8773170.
Genomic context (GRCh38, chr17:75,839,886, plus strand): 5'-GCTGTGTACTCACGCCATGGACTGGTGGAAGTCGGATAGGTCCTTCTGTGTGGCGTGCAG[A>T]AAGAGGACGGTGGCAGCCTGGGGACTCAGCGACCCGTCCCAGGAGGTGCTTCCCGCCTGA-3'
Protein context (NP_954712.1, residues 326-346): SLSPQAATVL[Phe336Leu]LHATQKDLSD